The following is an entry in ClinVar:

ClinVar aggregate classification (germline): Uncertain significance (1 of 4 stars; one submission).

Submission:

Labcorp Genetics (formerly Invitae), Labcorp
Classification: Uncertain significance. Last evaluated: 2025-03-20. Review status: criteria provided, single submitter. Criteria: Invitae Variant Classification Sherloc (09022015). Collection method: clinical testing. Allele origin: germline.
Comment: This sequence change replaces arginine, which is basic and polar, with leucine, which is neutral and non-polar, at codon 326 of the CTNNA1 protein (p.Arg326Leu). This variant is not present in population databases (gnomAD no frequency). This variant has not been reported in the literature in individuals affected with CTNNA1-related conditions. Invitae Evidence Modeling of protein sequence and biophysical properties (such as structural, functional, and spatial information, amino acid conservation, physicochemical variation, residue mobility, and thermodynamic stability) indicates that this missense variant is expected to disrupt CTNNA1 protein function with a positive predictive value of 80%. In summary, the available evidence is currently insufficient to determine the role of this variant in disease. Therefore, it has been classified as a Variant of Uncertain Significance.

NM_001903.5(CTNNA1):c.977G>T (p.Arg326Leu)

Gene: CTNNA1 (catenin alpha 1; plus strand). Cytogenetic location: 5q31.2.
Variant type: single nucleotide variant.
Coding change: c.977G>T on transcript NM_001903.5 (MANE Select); coding-DNA position 977, G replaced by T.
Protein change: p.Arg326Leu; replaces arginine 326 with leucine.
Molecular consequence: missense variant.
Genome position (GRCh38, 1-based): chr5:138,827,633, G>T. VCF-style: chr5-138827633-G-T. GRCh37 (hg19) VCF-style: chr5-138163322-G-T.
Other names: c.977G>T, p.Arg326Leu (NM_001290307.3, NM_001323982.2, NM_001323983.1 and 3 more transcripts); c.668G>T, p.Arg223Leu (NM_001290309.3); c.608G>T, p.Arg203Leu (NM_001290310.3); short protein forms R203L, R223L, R326L.
Identifiers: ClinVar variation 4740698 (VCV004740698.1).